The following is an entry in ClinVar:

ClinVar aggregate classification (germline): Uncertain significance. Review status: criteria provided, multiple submitters, no conflicts (2 of 4 stars). 4 submissions from 4 submitters: Uncertain significance (4). Last evaluated 2025-10-22.

Conditions:
Basal cell carcinoma, susceptibility to, 1. Also called: BCC1. Identifiers: MedGen C2751544, MONDO:0011556, OMIM 605462.
Gorlin syndrome. Also called: Basal cell nevus syndrome; Nevoid Basal Cell Carcinoma Syndrome. Identifiers: Orphanet 377, MedGen C0004779, MONDO:0007187.
Medulloblastoma (MDB). Also called: MEDULLOBLASTOMA PREDISPOSITION SYNDROME; Medulloblastoma, somatic. Identifiers: Orphanet 616, MedGen C0025149, MeSH D008527, MONDO:0007959, OMIM 155255, HP:0002885.

Allele frequency attached by ClinVar (database versions not stated): gnomAD exomes below 0.00001; TOPMed below 0.00001; ExAC 0.00001; gnomAD 0.00001 and 0.00002.
gnomAD v4.1: 6 of 1,596,042 alleles (0.00038%); highest among the groups gnomAD compares: East Asian, 0.0022%; no homozygotes.

Submissions (4):

Ambry Genetics
Classification: Uncertain significance. Last evaluated: 2025-10-22. Review status: criteria provided, single submitter. Criteria: Ambry Variant Classification Scheme 2023. Collection method: clinical testing. Allele origin: germline.

Labcorp Genetics (formerly Invitae), Labcorp
Classification: Uncertain significance for Gorlin syndrome. Last evaluated: 2025-05-06. Review status: criteria provided, single submitter. Criteria: Invitae Variant Classification Sherloc (09022015). Collection method: clinical testing. Allele origin: germline.
Comment: This sequence change replaces glutamic acid, which is acidic and polar, with glutamine, which is neutral and polar, at codon 906 of the PTCH2 protein (p.Glu906Gln). This variant is present in population databases (rs751579508, gnomAD 0.005%). This variant has not been reported in the literature in individuals affected with PTCH2-related conditions. ClinVar contains an entry for this variant (Variation ID: 952970). Invitae Evidence Modeling of protein sequence and biophysical properties (such as structural, functional, and spatial information, amino acid conservation, physicochemical variation, residue mobility, and thermodynamic stability) indicates that this missense variant is not expected to disrupt PTCH2 protein function with a negative predictive value of 80%. In summary, the available evidence is currently insufficient to determine the role of this variant in disease. Therefore, it has been classified as a Variant of Uncertain Significance.

Fulgent Genetics
Classification: Uncertain significance for Medulloblastoma; Basal cell carcinoma, susceptibility to, 1. Last evaluated: 2024-03-17. Review status: criteria provided, single submitter. Criteria: ACMG Guidelines, 2015. Collection method: clinical testing. Allele origin: germline.

Baylor Genetics
Classification: Uncertain significance for Basal cell carcinoma, susceptibility to, 1. Last evaluated: 2019-04-13. Review status: criteria provided, single submitter. Criteria: ACMG Guidelines, 2015. Collection method: clinical testing. Allele origin: unknown. Affected: yes. Study: CSER-TexasKidsCanSeq.
Comment: This variant was determined to be of uncertain significance according to ACMG Guidelines, 2015 [PMID:25741868].

NM_003738.5(PTCH2):c.2716G>C (p.Glu906Gln)

Gene: PTCH2 (patched 2; minus strand). Cytogenetic location: 1p34.1.
Variant type: single nucleotide variant.
Coding change: c.2716G>C on transcript NM_003738.5 (MANE Select); coding-DNA position 2716, G replaced by C.
Protein change: p.Glu906Gln; replaces glutamic acid 906 with glutamine.
Molecular consequence: missense variant.
Genome position (GRCh38, 1-based): chr1:44,826,748, C>G on the plus strand (G>C on the coding strand, the complement: PTCH2 is on the minus strand). VCF-style: chr1-44826748-C-G. GRCh37 (hg19) VCF-style: chr1-45292420-C-G.
Other names: c.2716G>C, p.Glu906Gln (NM_001166292.2); short protein forms E906Q.
Identifiers: ClinVar variation 952970 (VCV000952970.13), dbSNP rs751579508, ClinGen allele CA822896.